The following is an entry in ClinVar:

NM_198253.3(TERT):c.2690T>G (p.Val897Gly)

Gene: TERT (telomerase reverse transcriptase; minus strand). Cytogenetic location: 5p15.33.
Variant type: single nucleotide variant.
Coding change: c.2690T>G on transcript NM_198253.3 (MANE Select); coding-DNA position 2690, T replaced by G.
Protein change: p.Val897Gly; replaces valine 897 with glycine.
Molecular consequence: missense variant. On other transcripts: intron variant (1).
Genome position (GRCh38, 1-based): chr5:1,264,557, A>C on the plus strand (T>G on the coding strand, the complement: TERT is on the minus strand). VCF-style: chr5-1264557-A-C. GRCh37 (hg19) VCF-style: chr5-1264672-A-C.
Other names: c.2654+1907T>G (NM_001193376.3); short protein forms V897G.
Identifiers: ClinVar variation 5030639 (VCV005030639.1).

ClinVar aggregate classification (germline): Uncertain significance (1 of 4 stars; one submission).

Conditions:
Dyskeratosis congenita. Identifiers: Orphanet 1775, MedGen C0265965, MONDO:0015780.

Submission:

Ambry Genetics
Classification: Uncertain significance for Dyskeratosis congenita. Last evaluated: 2026-06-26. Review status: criteria provided, single submitter. Criteria: Ambry Variant Classification Scheme 2023. Collection method: clinical testing. Allele origin: germline.
Comment: The p.V897G variant (also known as c.2690T>G), located in coding exon 11 of the TERT gene, results from a T to G substitution at nucleotide position 2690. The valine at codon 897 is replaced by glycine, an amino acid with dissimilar properties. This amino acid position is conserved. In addition, this alteration is predicted to be tolerated by in silico analysis. Based on the available evidence, the clinical significance of this variant remains unclear.